The following is an entry in ClinVar:

ClinVar aggregate classification (germline): Benign (1 of 4 stars; one submission).

Conditions:
Tuberous sclerosis 1 (TSC1). Identifiers: Orphanet 805, MedGen C1854465, MONDO:0008612, OMIM 191100.

Submission:

Myriad Genetics, Inc.
Classification: Benign for Tuberous sclerosis 1. Last evaluated: 2025-04-25. Review status: criteria provided, single submitter. Criteria: Myriad Autosomal Dominant, Autosomal Recessive and X-Linked Classification Criteria (2023). Collection method: clinical testing. Allele origin: unknown.
Comment: This variant is considered benign. This variant is a silent/synonymous amino acid change and it is not expected to impact splicing.

NM_000368.5(TSC1):c.2394G>C (p.Thr798=)

Gene: TSC1 (TSC complex subunit 1; minus strand). Cytogenetic location: 9q34.13.
Variant type: single nucleotide variant.
Coding change: c.2394G>C on transcript NM_000368.5 (MANE Select); coding-DNA position 2394, G replaced by C.
Protein change: p.Thr798=; no amino-acid change (threonine 798 retained).
Molecular consequence: synonymous variant. On other transcripts: non-coding transcript variant (5).
Genome position (GRCh38, 1-based): chr9:132,901,697, C>G on the plus strand (G>C on the coding strand, the complement: TSC1 is on the minus strand). VCF-style: chr9-132901697-C-G. GRCh37 (hg19) VCF-style: chr9-135777084-C-G.
Other names: c.2391G>C, p.Thr797= (NM_001162426.2, NM_001406597.1, NM_001406598.1 and 4 more transcripts); c.2241G>C, p.Thr747= (NM_001162427.2, NM_001406610.1); c.2031G>C, p.Thr677= (NM_001362177.2, NM_001406614.1, NM_001406615.1 and 5 more transcripts); c.2394G>C, p.Thr798= (NM_001406592.1, NM_001406593.1, NM_001406594.1 and 5 more transcripts); c.2379G>C, p.Thr793= (NM_001406601.1, NM_001406602.1); c.2376G>C, p.Thr792= (NM_001406603.1, NM_001406604.1); c.2238G>C, p.Thr746= (NM_001406611.1, NM_001406612.1, NM_001406613.1); c.2028G>C, p.Thr676= (NM_001406620.1, NM_001406621.1, NM_001406622.1 and 2 more transcripts); and 3 more.
Identifiers: ClinVar variation 4071125 (VCV004071125.1).
Genomic context (GRCh38, chr9:132,901,697, plus strand): 5'-GTTGGCCTTCTTCAGTTCTATCCGCAGCTCCGCAATCATGTTCCTGCAGTCCTCCAGCTT[C>G]GTCTGCCCAAAGAGACGTGGACATGAAGTTTGAGGAACACCAACAGGCCAGATCACAGGC-3'
Protein context (NP_000359.1, residues 788-808): EFYNQSQELQ[Thr798=]KLEDCRNMIA